The following is an entry in ClinVar:

NM_001044385.3(TMEM237):c.732T>C (p.Ile244=)

Gene: TMEM237 (transmembrane protein 237; minus strand). Cytogenetic location: 2q33.1.
Variant type: single nucleotide variant.
Coding change: c.732T>C on transcript NM_001044385.3 (MANE Select); coding-DNA position 732, T replaced by C.
Protein change: p.Ile244=; no amino-acid change (isoleucine 244 retained).
Molecular consequence: synonymous variant.
Genome position (GRCh38, 1-based): chr2:201,629,367, A>G on the plus strand (T>C on the coding strand, the complement: TMEM237 is on the minus strand). VCF-style: chr2-201629367-A-G. GRCh37 (hg19) VCF-style: chr2-202494090-A-G.
Other names: c.708T>C, p.Ile236= (NM_152388.4).
Identifiers: ClinVar variation 5039351 (VCV005039351.1).

ClinVar aggregate classification (germline): Likely benign (1 of 4 stars; one submission).

Submission:

CeGaT Center for Human Genetics Tuebingen
Classification: Likely benign. Last evaluated: 2026-07-01. Review status: criteria provided, single submitter. Criteria: CeGaT Center For Human Genetics Tuebingen Variant Classification Criteria Version 2. Collection method: clinical testing. Allele origin: germline. Affected: yes. Observed: 1 variant allele.
Comment: TMEM237: PM2:Supporting, BP4, BP7